The following is an entry in ClinVar:

ClinVar aggregate classification (germline): Likely benign. Review status: criteria provided, multiple submitters, no conflicts (2 of 4 stars). 3 submissions from 3 submitters: Likely benign (3). Last evaluated 2024-02-06.

Conditions:
Hereditary cancer-predisposing syndrome. Also called: Hereditary neoplastic syndrome; Tumor predisposition; Hereditary Cancer Syndrome; Neoplastic Syndromes, Hereditary. Identifiers: Orphanet 140162, MedGen C0027672, MeSH D009386, MONDO:0015356.
Fanconi anemia (FA). Also called: Fanconi's anemia. Identifiers: Orphanet 84, MedGen C0015625, MeSH D005199, MONDO:0019391.

Allele frequency attached by ClinVar (database versions not stated): gnomAD exomes 0.00001.
gnomAD v4.1: 7 of 1,613,548 alleles (0.00043%); highest among the groups gnomAD compares: Non-Finnish European, 0.00059%; no homozygotes.

Submissions (3):

Labcorp Genetics (formerly Invitae), Labcorp
Classification: Likely benign for Fanconi anemia. Last evaluated: 2024-02-06. Review status: criteria provided, single submitter. Criteria: Invitae Variant Classification Sherloc (09022015). Collection method: clinical testing. Allele origin: germline.

Ambry Genetics
Classification: Likely benign for Hereditary cancer-predisposing syndrome. Last evaluated: 2019-07-06. Review status: criteria provided, single submitter. Criteria: Ambry Variant Classification Scheme 2023. Collection method: clinical testing. Allele origin: germline.

GeneDx
Classification: Likely benign. Last evaluated: 2016-12-01. Review status: criteria provided, single submitter. Criteria: GeneDx Variant Classification (06012015). Collection method: clinical testing. Allele origin: germline. Affected: yes.
Comment: This variant is considered likely benign or benign based on one or more of the following criteria: it is a conservative change, it occurs at a poorly conserved position in the protein, it is predicted to be benign by multiple in silico algorithms, and/or has population frequency not consistent with disease.

NM_000136.3(FANCC):c.399T>G (p.Leu133=)

Gene: FANCC (FA complementation group C; minus strand). Cytogenetic location: 9q22.32.
Variant type: single nucleotide variant.
Coding change: c.399T>G on transcript NM_000136.3 (MANE Select); coding-DNA position 399, T replaced by G.
Protein change: p.Leu133=; no amino-acid change (leucine 133 retained).
Molecular consequence: synonymous variant.
Genome position (GRCh38, 1-based): chr9:95,172,094, A>C on the plus strand (T>G on the coding strand, the complement: FANCC is on the minus strand). VCF-style: chr9-95172094-A-C. GRCh37 (hg19) VCF-style: chr9-97934376-A-C.
Other names: c.399T>G, p.Leu133= (NM_001243743.2, NM_001243744.2).
Identifiers: ClinVar variation 221160 (VCV000221160.14), dbSNP rs864622764, ClinGen allele CA349436.
Genomic context (GRCh38, chr9:95,172,094, plus strand): 5'-CACATTTTTAAGCAAACCAGGATAGTAATCTATAGGTGCATACCCAAGACCTTGAGTGAA[A>C]AGAGCAACTTCTTTATCAAATCTGAGTGCTGAAAGTATATGAGATAATACACCCTAAAAA-3'
Protein context (NP_000127.2, residues 123-143): SALRFDKEVA[Leu133=]FTQGLGYAPI